The following is an entry in ClinVar:

NM_014476.6(PDLIM3):c.688G>C (p.Glu230Gln)

Gene: PDLIM3 (PDZ and LIM domain 3; minus strand). Cytogenetic location: 4q35.1.
Variant type: single nucleotide variant.
Coding change: c.688G>C on transcript NM_014476.6 (MANE Select); coding-DNA position 688, G replaced by C.
Protein change: p.Glu230Gln; replaces glutamic acid 230 with glutamine.
Molecular consequence: missense variant. On other transcripts: non-coding transcript variant (1).
Genome position (GRCh38, 1-based): chr4:185,506,627, C>G on the plus strand (G>C on the coding strand, the complement: PDLIM3 is on the minus strand). VCF-style: chr4-185506627-C-G. GRCh37 (hg19) VCF-style: chr4-186427781-C-G.
Other names: c.544G>C, p.Glu182Gln (NM_001114107.5); c.424G>C, p.Glu142Gln (NM_001257962.2); c.187G>C, p.Glu63Gln (NM_001257963.2); short protein forms E142Q, E182Q, E230Q, E63Q.
Identifiers: ClinVar variation 3754925 (VCV003754925.2).

ClinVar aggregate classification (germline): Uncertain significance (1 of 4 stars; one submission).

Conditions:
Primary dilated cardiomyopathy (DCM). Also called: Dilated Cardiomyopathy. Identifiers: Orphanet 217604, MedGen C0007193, MeSH D002311, MONDO:0005021, HP:0001644. Inheritance: Various modes of inheritance.
Hypertrophic cardiomyopathy. Also called: HYPERTROPHIC MYOCARDIOPATHY. Identifiers: Orphanet 217569, MedGen C0007194, MeSH D002312, MONDO:0005045, HP:0001639.

Submission:

Labcorp Genetics (formerly Invitae), Labcorp
Classification: Uncertain significance for Hypertrophic cardiomyopathy; Primary dilated cardiomyopathy. Last evaluated: 2024-03-04. Review status: criteria provided, single submitter. Criteria: Invitae Variant Classification Sherloc (09022015). Collection method: clinical testing. Allele origin: germline.
Comment: This sequence change replaces glutamic acid, which is acidic and polar, with glutamine, which is neutral and polar, at codon 230 of the PDLIM3 protein (p.Glu230Gln). This variant is not present in population databases (gnomAD no frequency). This variant has not been reported in the literature in individuals affected with PDLIM3-related conditions. Advanced modeling of protein sequence and biophysical properties (such as structural, functional, and spatial information, amino acid conservation, physicochemical variation, residue mobility, and thermodynamic stability) performed at Invitae indicates that this missense variant is not expected to disrupt PDLIM3 protein function with a negative predictive value of 80%. In summary, the available evidence is currently insufficient to determine the role of this variant in disease. Therefore, it has been classified as a Variant of Uncertain Significance.